The following is an entry in ClinVar:

NM_017780.4(CHD7):c.2432T>C (p.Val811Ala)

Gene: CHD7 (chromodomain helicase DNA binding protein 7; plus strand). Cytogenetic location: 8q12.2.
Variant type: single nucleotide variant.
Coding change: c.2432T>C on transcript NM_017780.4 (MANE Select); coding-DNA position 2432, T replaced by C.
Protein change: p.Val811Ala; replaces valine 811 with alanine.
Molecular consequence: missense variant. On other transcripts: intron variant (1).
Genome position (GRCh38, 1-based): chr8:60,801,583, T>C. VCF-style: chr8-60801583-T-C. GRCh37 (hg19) VCF-style: chr8-61714142-T-C.
Other names: c.1716+20533T>C (NM_001316690.1); short protein forms V811A.
Identifiers: ClinVar variation 3625745 (VCV003625745.2).
Genomic context (GRCh38, chr8:60,801,583, plus strand): 5'-TTTAGGAATCTGTTGATGCAGAAGGCCCAGTGGTAGAAAAAATTATGAGCAGTCGTTCAG[T>C]AAAAAAGCAGGTGAGTGCCATTGGAGCCATTAAAATCTGTGAGGTGTATGTGACTCTTAC-3'
Protein context (NP_060250.2, residues 801-821): VVEKIMSSRS[Val811Ala]KKQKESGEEV

ClinVar aggregate classification (germline): Uncertain significance (1 of 4 stars; one submission).

Conditions:
CHARGE syndrome (CHARGE). Also called: Hittner Hirsch Kreh syndrome; CHARGE ASSOCIATION--COLOBOMA, HEART ANOMALY, CHOANAL ATRESIA, RETARDATION, GENITAL AND EAR ANOMALIES; Coloboma, heart anomaly, choanal atresia, retardation, genital and ear anomalies; CHARGE association; Hall-Hittner syndrome. Identifiers: Orphanet 138, MedGen C0265354, MONDO:0008965.

gnomAD v4.1: 1 of 1,572,720 alleles (0.000064%); highest among the groups gnomAD compares: Non-Finnish European, 0.000086%; no homozygotes.

Submission:

Labcorp Genetics (formerly Invitae), Labcorp
Classification: Uncertain significance for CHARGE syndrome. Last evaluated: 2024-04-26. Review status: criteria provided, single submitter. Criteria: Invitae Variant Classification Sherloc (09022015). Collection method: clinical testing. Allele origin: germline.
Comment: This sequence change replaces valine, which is neutral and non-polar, with alanine, which is neutral and non-polar, at codon 811 of the CHD7 protein (p.Val811Ala). This variant is not present in population databases (gnomAD no frequency). This variant has not been reported in the literature in individuals affected with CHD7-related conditions. Advanced modeling of protein sequence and biophysical properties (such as structural, functional, and spatial information, amino acid conservation, physicochemical variation, residue mobility, and thermodynamic stability) performed at Invitae indicates that this missense variant is not expected to disrupt CHD7 protein function with a negative predictive value of 95%. In summary, the available evidence is currently insufficient to determine the role of this variant in disease. Therefore, it has been classified as a Variant of Uncertain Significance.